The following is an entry in ClinVar:

ClinVar aggregate classification (germline): Uncertain significance. Review status: criteria provided, multiple submitters, no conflicts (2 of 4 stars). 3 submissions from 3 submitters: Uncertain significance (2). 1 of the submissions does not count toward it. Last evaluated 2024-11-14.

Conditions:
FBLN5-related disorder. Also called: FBLN5-related condition.
Inborn genetic diseases. Identifiers: MedGen C0950123, MeSH D030342.

Allele frequency attached by ClinVar (database versions not stated): gnomAD 0.00002 and 0.00003; TOPMed 0.00002; gnomAD exomes 0.00003 and 0.00005; ExAC 0.00007.
gnomAD v4.1: 47 of 1,613,894 alleles (0.0029%); highest among the groups gnomAD compares: South Asian, 0.0088%; no homozygotes.

Submissions (3):

Labcorp Genetics (formerly Invitae), Labcorp
Classification: Uncertain significance. Last evaluated: 2024-11-14. Review status: criteria provided, single submitter. Criteria: Invitae Variant Classification Sherloc (09022015). Collection method: clinical testing. Allele origin: germline.
Comment: This sequence change replaces valine, which is neutral and non-polar, with isoleucine, which is neutral and non-polar, at codon 361 of the FBLN5 protein (p.Val361Ile). This variant is present in population databases (rs757825263, gnomAD 0.01%). This variant has not been reported in the literature in individuals affected with FBLN5-related conditions. ClinVar contains an entry for this variant (Variation ID: 1348975). Invitae Evidence Modeling of protein sequence and biophysical properties (such as structural, functional, and spatial information, amino acid conservation, physicochemical variation, residue mobility, and thermodynamic stability) indicates that this missense variant is not expected to disrupt FBLN5 protein function with a negative predictive value of 80%. In summary, the available evidence is currently insufficient to determine the role of this variant in disease. Therefore, it has been classified as a Variant of Uncertain Significance.

Ambry Genetics
Classification: Uncertain significance for Inborn genetic diseases. Last evaluated: 2024-08-14. Review status: criteria provided, single submitter. Criteria: Ambry Variant Classification Scheme 2023. Collection method: clinical testing. Allele origin: germline.

PreventionGenetics, part of Exact Sciences
Classification: Uncertain significance for FBLN5-related condition. Last evaluated: 2024-08-10. Review status: no assertion criteria provided. Collection method: clinical testing. Allele origin: germline. Not counted in ClinVar's aggregate classification.
Comment: The FBLN5 c.1081G>A variant is predicted to result in the amino acid substitution p.Val361Ile. To our knowledge, this variant has not been reported in individuals with FBLN5-related disorders in the literature. This variant is reported in 0.0098% of alleles in individuals of South Asian descent in gnomAD. At this time, the clinical significance of this variant is uncertain due to the absence of conclusive functional and genetic evidence.

NM_006329.4(FBLN5):c.1081G>A (p.Val361Ile)

Gene: FBLN5 (fibulin 5; minus strand). Cytogenetic location: 14q32.12.
Variant type: single nucleotide variant.
Coding change: c.1081G>A on transcript NM_006329.4 (MANE Select); coding-DNA position 1081, G replaced by A.
Protein change: p.Val361Ile; replaces valine 361 with isoleucine.
Molecular consequence: missense variant.
Genome position (GRCh38, 1-based): chr14:91,877,591, C>T on the plus strand (G>A on the coding strand, the complement: FBLN5 is on the minus strand). VCF-style: chr14-91877591-C-T. GRCh37 (hg19) VCF-style: chr14-92343935-C-T.
Other names: c.1204G>A, p.Val402Ile (NM_001384158.1); c.1132G>A, p.Val378Ile (NM_001384159.1); c.1081G>A, p.Val361Ile (NM_001384160.1); c.913G>A, p.Val305Ile (NM_001384161.1, NM_001384162.1); c.1081G>A (NM_006329.3); short protein forms V402I, V361I, V305I, V378I.
Identifiers: ClinVar variation 1348975 (VCV001348975.7), dbSNP rs757825263, ClinGen allele CA7312621.